The following is an entry in ClinVar:

ClinVar aggregate classification (germline): Benign. Review status: criteria provided, multiple submitters, no conflicts (2 of 4 stars). 5 submissions from 5 submitters: Benign (3). 2 of the submissions do not count toward it. Last evaluated 2026-02-01.

Conditions:
NIN-related disorder. Also called: NIN-related condition.

Allele frequency attached by ClinVar (database versions not stated): 1000 Genomes Project 30x 0.00874; 1000 Genomes Project 0.00879; TOPMed 0.01156; ESP Exome Variant Server 0.01238; ExAC 0.01445; gnomAD 0.01531 and 0.01567; gnomAD exomes 0.01543 and 0.01927.

Submissions (5):

Labcorp Genetics (formerly Invitae), Labcorp
Classification: Benign. Last evaluated: 2026-02-01. Review status: criteria provided, single submitter. Criteria: Invitae Variant Classification Sherloc (09022015). Collection method: clinical testing. Allele origin: germline.

GeneDx
Classification: Benign. Last evaluated: 2021-05-04. Review status: criteria provided, single submitter. Criteria: GeneDx Variant Classification Process June 2021. Collection method: clinical testing. Allele origin: germline. Affected: yes.

Breakthrough Genomics
Classification: Benign. Review status: criteria provided, single submitter. Criteria: ACMG Guidelines, 2015. Collection method: not provided. Allele origin: germline. Inheritance: Autosomal recessive inheritance. Affected: yes.

PreventionGenetics, part of Exact Sciences
Classification: Likely benign for NIN-related condition. Last evaluated: 2022-10-11. Review status: no assertion criteria provided. Collection method: clinical testing. Allele origin: germline. Not counted in ClinVar's aggregate classification.
Comment: This variant is classified as likely benign based on ACMG/AMP sequence variant interpretation guidelines (Richards et al. 2015 PMID: 25741868, with internal and published modifications).

Genetic Services Laboratory, University of Chicago
Classification: Likely benign for AllHighlyPenetrant. Review status: no assertion criteria provided. Collection method: clinical testing. Allele origin: germline. Inheritance: Autosomal recessive inheritance. Not counted in ClinVar's aggregate classification.
Comment: Likely benign based on allele frequency in 1000 Genomes Project or ESP global frequency and its presence in a patient with a rare or unrelated disease phenotype. NOT Sanger confirmed.

NM_020921.4(NIN):c.819C>T (p.Phe273=)

Gene: NIN (ninein; minus strand). Cytogenetic location: 14q22.1.
Variant type: single nucleotide variant.
Coding change: c.819C>T on transcript NM_020921.4 (MANE Select); coding-DNA position 819, C replaced by T.
Protein change: p.Phe273=; no amino-acid change (phenylalanine 273 retained).
Molecular consequence: synonymous variant.
Genome position (GRCh38, 1-based): chr14:50,772,463, G>A on the plus strand (C>T on the coding strand, the complement: NIN is on the minus strand). VCF-style: chr14-50772463-G-A. GRCh37 (hg19) VCF-style: chr14-51239181-G-A.
Other names: c.819C>T, p.Phe273= (NM_016350.5, NM_182944.3, NM_182946.2).
Identifiers: ClinVar variation 129802 (VCV000129802.18), dbSNP rs61755581, ClinGen allele CA154118.